The following is an entry in ClinVar:

NM_004086.3(COCH):c.116T>A (p.Leu39Ter)

Genes: COCH (cochlin; plus strand), COCH-AS1 (COCH antisense RNA 1; minus strand). Cytogenetic location: 14q12.
Variant type: single nucleotide variant.
Coding change: c.116T>A on transcript NM_004086.3 (MANE Select); coding-DNA position 116, T replaced by A.
Protein change: p.Leu39Ter; replaces leucine 39 with a stop codon.
Molecular consequence: nonsense.
Genome position (GRCh38, 1-based): chr14:30,877,605, T>A. VCF-style: chr14-30877605-T-A. GRCh37 (hg19) VCF-style: chr14-31346811-T-A.
Other names: c.116T>A, p.Leu39Ter (NM_001135058.2); c.311T>A, p.Leu104Ter (NM_001347720.2); short protein forms L104*, L39*.
Identifiers: ClinVar variation 4813859 (VCV004813859.1).

ClinVar aggregate classification (germline): Likely pathogenic (1 of 4 stars; one submission).

Conditions:
Hearing loss, autosomal recessive 110. Also called: DEAFNESS, AUTOSOMAL RECESSIVE 110. Identifiers: MedGen C4748162, MONDO:0054860, OMIM 618094.

Submission:

Genetics Research Center, University of Social Welfare and Rehabilitation Sciences
Classification: Likely pathogenic for Hearing loss, autosomal recessive 110. Review status: criteria provided, single submitter. Criteria: ACMG Guidelines, 2015. Collection method: research. Allele origin: germline. Affected: yes.
Comment: The COCH c.116T>A (p.Leu39Ter) variant is a nonsense variant predicted to undergo nonsense-mediated decay, resulting in loss of function. The variant was identified in homozygous state in multiple affected members of an Iranian consanguineous family with autosomal recessive nonsyndromic hearing loss and segregates with disease (PMID:31126177). Biallelic loss-of-function variants in COCH have been established as a cause of recessive hearing loss. The variant is absent from population databases.

Literature cited by the submitters: PubMed 31126177.